The following is an entry in ClinVar:

ClinVar aggregate classification (germline): Pathogenic. Review status: criteria provided, multiple submitters, no conflicts (2 of 4 stars). 9 submissions from 9 submitters: Pathogenic (8). 1 of the submissions does not count toward it. Last evaluated 2026-04-14.

Conditions:
ATP8B1-related disorder. Also called: ATP8B1-related disorders; ATP8B1-related condition.
Progressive familial intrahepatic cholestasis type 1. Also called: BYLER DISEASE; Severe ATP8B1 Deficiency (Progressive Familial Intrahepatic Cholestasis Type 1 [PFIC1]); Byler's disease. Identifiers: Orphanet 79306, MedGen C4551898, MONDO:0008892, OMIM 211600.
Familial intrahepatic cholestasis. Identifiers: Orphanet 284385, MedGen CN296401, MONDO:0017290.

Allele frequency attached by ClinVar (database versions not stated): ExAC 0.00001; gnomAD 0.00001; gnomAD exomes 0.00001.
gnomAD v4.1: 12 of 1,614,024 alleles (0.00074%); highest among the groups gnomAD compares: East Asian, 0.0045%; no homozygotes.

Submissions (9):

Genomenon, Inc
Classification: Pathogenic for Familial intrahepatic cholestasis. Last evaluated: 2026-04-14. Review status: criteria provided, single submitter. Criteria: Genomenon Sequence Variant Interpretation Standards - Updated. Collection method: curation. Allele origin: germline. Affected: yes.
Comment: ATP8B1 p.Arg952Ter (c.2854C>T) is a nonsense variant that introduces a premature stop codon at amino acid position 952, creating a truncated protein that is predicted to undergo nonsense-mediated mRNA decay. This variant has been observed in at least one proband with features of ATP8B1-deficiency (PMID:39768432;33437900;29104077;20038848;25383786;27534385;15239083). It is absent or not present at a significant frequency in gnomAD. In conclusion, we classify ATP8B1 p.Arg952Ter (c.2854C>T) as a pathogenic variant.

Mayo Clinic Laboratories, Mayo Clinic
Classification: Pathogenic. Last evaluated: 2024-07-10. Review status: criteria provided, single submitter. Criteria: ACMG Guidelines, 2015. Collection method: clinical testing. Allele origin: germline. Observed: 1 variant allele.
Comment: PM2, PM3_strong, PVS1

Labcorp Genetics (formerly Invitae), Labcorp
Classification: Pathogenic. Last evaluated: 2024-02-17. Review status: criteria provided, single submitter. Criteria: Invitae Variant Classification Sherloc (09022015). Collection method: clinical testing. Allele origin: germline.
Comment: This sequence change creates a premature translational stop signal (p.Arg952*) in the ATP8B1 gene. It is expected to result in an absent or disrupted protein product. Loss-of-function variants in ATP8B1 are known to be pathogenic (PMID: 15239083, 22525741). This variant is present in population databases (rs765889649, gnomAD 0.008%). This premature translational stop signal has been observed in individual(s) with familial intrahepatic cholestasis type 1 deficiency (PMID: 33666275). ClinVar contains an entry for this variant (Variation ID: 595193). For these reasons, this variant has been classified as Pathogenic.

Rolfs Rare Disease Consulting, Rolfs Consulting Und Verwaltungs GmbH
Classification: Pathogenic for Progressive familial intrahepatic cholestasis type 1. Last evaluated: 2021-01-01. Review status: criteria provided, single submitter. Criteria: ACMG Guidelines, 2015. Collection method: clinical testing. Allele origin: germline. Affected: yes.

Blueprint Genetics
Classification: Pathogenic for ATP8B1-related disorders. Last evaluated: 2020-12-04. Review status: criteria provided, single submitter. Criteria: ACMG Guidelines, 2015. Collection method: clinical testing. Allele origin: germline. Affected: yes. Observed: 2 variant alleles.

GeneDx
Classification: Pathogenic. Last evaluated: 2020-06-11. Review status: criteria provided, single submitter. Criteria: GeneDx Variant Classification (06012015). Collection method: clinical testing. Allele origin: germline. Affected: yes.
Comment: Identified in homozygous state due to UPD or in compound heterozygous state with other ATP8B1 variants in multiple families with hereditary cholestasis referred for genetic testing at GeneDx or in published literature (Klomp et al., 2004). Nonsense variant predicted to result in protein truncation or nonsense mediated decay in a gene for which loss-of-function is a known mechanism of disease. Observed in 3/282880 (0.0011%) alleles in large population cohorts, and no individuals were reported to be homozygous (Lek et al., 2016). We interpret R952X as a pathogenic variant.

Eurofins Ntd Llc (ga)
Classification: Pathogenic. Last evaluated: 2017-11-29. Review status: criteria provided, single submitter. Criteria: EGL Classification Definitions 2015. Collection method: clinical testing. Allele origin: germline. Observed: 1 variant allele, 1 heterozygote.

CeGaT Center for Human Genetics Tuebingen
Classification: Pathogenic. Last evaluated: 2016-10-01. Review status: criteria provided, single submitter. Criteria: CeGaT Center For Human Genetics Tuebingen Variant Classification Criteria Version 2. Collection method: clinical testing. Allele origin: germline. Affected: yes. Observed: 1 variant allele.

Department of Pathology and Laboratory Medicine, Sinai Health System
Classification: Pathogenic. Review status: no assertion criteria provided. Collection method: clinical testing. Allele origin: unknown. Affected: yes. Study: The Canadian Open Genetics Repository (COGR). Not counted in ClinVar's aggregate classification.
Comment: The ATP8B1 p.Arg952* variant was identified in 4 of 398 proband chromosomes (frequency: 0.01005) from individuals or families with progressive familial intrahepatic cholestasis (PFIC) or benign recurrent intrahepatic cholestasis (BRIC) (Liu_2010_PMID:20038848; Klomp_2004_PMID:15239083). The variant was also identified in dbSNP (ID: rs765889649), ClinVar (classified as pathogenic by EGL Genetic Diagnostics) and Cosmic (FATHMM prediction: pathogenic; score=0.96). The variant was identified in control databases in 3 of 282880 chromosomes at a frequency of 0.000011 (Genome Aggregation Database Feb 27, 2017). The variant was observed in the following populations: African in 2 of 24970 chromosomes (freq: 0.00008) and European (non-Finnish) in 1 of 129180 chromosomes (freq: 0.000008), while the variant was not observed in the Latino, Ashkenazi Jewish, East Asian, European (Finnish), Other or South Asian populations. The c.2854C>T variant leads to a premature stop codon at position 952 which is predicted to lead to a truncated or absent protein and loss of function. Loss of function variants of the ATP8B1 gene are an established mechanism of disease in PFIC and BRIC and, in the homozygous or compound heterozygous state, is the type of variant expected to cause these disorders. In summary, based on the above information this variant meets our laboratoryâ€šÃ„Ã´s criteria to be classified as pathogenic.

Literature cited by the submitters: PubMed 39768432 (cited by Genomenon, Inc); PubMed 33437900 (cited by Genomenon, Inc); PubMed 29104077 (cited by Genomenon, Inc); PubMed 20038848 (cited by Genomenon, Inc and Mayo Clinic Laboratories, Mayo Clinic); PubMed 25383786 (cited by Genomenon, Inc); PubMed 27534385 (cited by Genomenon, Inc); PubMed 15239083 (cited by 3 submitters); PubMed 26858187 (cited by Mayo Clinic Laboratories, Mayo Clinic); PubMed 27050426 (cited by Mayo Clinic Laboratories, Mayo Clinic); PubMed 31555573 (cited by Mayo Clinic Laboratories, Mayo Clinic); PubMed 33666275 (cited by Mayo Clinic Laboratories, Mayo Clinic and Labcorp Genetics (formerly Invitae), Labcorp); PubMed 34016879 (cited by Mayo Clinic Laboratories, Mayo Clinic); PubMed 22525741 (cited by Labcorp Genetics (formerly Invitae), Labcorp).

NM_001374385.1(ATP8B1):c.2854C>T (p.Arg952Ter)

Genes: ATP8B1 (ATPase phospholipid transporting 8B1; minus strand), ATP8B1-AS1 (ATP8B1 antisense RNA 1; plus strand). Cytogenetic location: 18q21.31.
Variant type: single nucleotide variant.
Coding change: c.2854C>T on transcript NM_001374385.1 (MANE Select); coding-DNA position 2854, C replaced by T.
Protein change: p.Arg952Ter; replaces arginine 952 with a stop codon.
Molecular consequence: nonsense.
Genome position (GRCh38, 1-based): chr18:57,655,271, G>A on the plus strand (C>T on the coding strand, the complement: ATP8B1 is on the minus strand). VCF-style: chr18-57655271-G-A. GRCh37 (hg19) VCF-style: chr18-55322503-G-A.
Other names: p.Arg952*; c.2704C>T, p.Arg902Ter (NM_001374386.1); c.2854C>T, p.Arg952Ter (NM_005603.6); short protein forms R952*, R902*.
Identifiers: ClinVar variation 595193 (VCV000595193.55), dbSNP rs765889649, ClinGen allele CA8974145.